The following is an entry in ClinVar:

ClinVar aggregate classification (germline): Pathogenic (1 of 4 stars; one submission).

Conditions:
Hereditary breast ovarian cancer syndrome. Also called: Hereditary breast and ovarian cancer; BRCA1- and BRCA2-Associated Hereditary Breast and Ovarian Cancer; Hereditary breast and ovarian cancer syndrome; Breast and ovarian cancer; Hereditary breast and ovarian cancer syndrome (HBOC); Hereditary breast and/or ovarian cancer syndrome. Identifiers: Orphanet 145, MedGen C0677776, MeSH D061325, MONDO:0003582. Disease mechanism: loss of function.

Submission:

Labcorp Genetics (formerly Invitae), Labcorp
Classification: Pathogenic for Hereditary breast ovarian cancer syndrome. Last evaluated: 2022-12-12. Review status: criteria provided, single submitter. Criteria: Invitae Variant Classification Sherloc (09022015). Collection method: clinical testing. Allele origin: germline.
Comment: This variant disrupts the C-terminal end of the BRCA1 protein partially including the BRCT domain (residues 1646-1859), which is important for DNA repair activity (PMID: 11573086, 14576433, 15133503, 25652403). While functional studies have not been performed to directly test the effect on BRCA1 protein function, this suggests that disruption of the C-terminal portion of the protein is functionally important. For these reasons, this variant has been classified as Pathogenic. A different truncation (p.Tyr1853*) that lies downstream of this variant has been determined to be pathogenic (PMID: 21922593, 10811118, 11739404, 12400015, 7894493, Invitae). This suggests that variants that disrupt this region of the protein are likely to be causative of disease. This variant has not been reported in the literature in individuals affected with BRCA1-related conditions. This variant is not present in population databases (gnomAD no frequency). This sequence change creates a premature translational stop signal (p.Val1810Glnfs*22) in the BRCA1 gene. While this is not anticipated to result in nonsense mediated decay, it is expected to disrupt the last 54 amino acid(s) of the BRCA1 protein.

Literature cited by the submitters: PubMed 11573086; PubMed 14576433; PubMed 15133503; PubMed 25652403; PubMed 21922593; PubMed 10811118; PubMed 11739404; PubMed 12400015; PubMed 7894493.

NM_007294.4(BRCA1):c.5427_5433del (p.Val1810fs)

Gene: BRCA1 (BRCA1 DNA repair associated; minus strand). Cytogenetic location: 17q21.31.
Variant type: Deletion.
Coding change: c.5427_5433del on transcript NM_007294.4 (MANE Select); coding-DNA positions 5427 to 5433, 7 bases deleted (TGTGCAG; older notation c.5427_5433delTGTGCAG).
Protein change: p.Val1810fs; shifts the reading frame from valine 1810.
Molecular consequence: frameshift variant.
Genome position (GRCh38, 1-based): chr17:43,047,677-43,047,683, CTGCACA deleted on the plus strand (TGTGCAG on the coding strand, the reverse complement: BRCA1 is on the minus strand). VCF-style (leftmost placement, unchanged base first): chr17-43047676-GCTGCACA-G. GRCh37 (hg19) VCF-style: chr17-41199693-GCTGCACA-G.
Other names: c.5427_5433del, p.Val1810fs (NM_001407596.1, NM_001407597.1, NM_001407598.1 and 5 more transcripts); c.5424_5430del, p.Val1809fs (NM_001407610.1, NM_001407611.1, NM_001407612.1 and 14 more transcripts); c.5214_5220del, p.Val1739fs (NM_001407571.1, NM_001407894.1, NM_001407895.1 and 12 more transcripts); c.5493_5499del, p.Val1832fs (NM_001407581.1, NM_001407582.1); c.5490_5496del, p.Val1831fs (NM_001407583.1, NM_001407585.1, NM_001407587.1 and 1 more transcripts); c.5487_5493del, p.Val1830fs (NM_001407590.1, NM_001407591.1); c.5421_5427del, p.Val1808fs (NM_001407627.1, NM_001407628.1, NM_001407629.1 and 13 more transcripts); c.5418_5424del, p.Val1807fs (NM_001407644.1, NM_001407645.1); and 84 more; short protein forms C1738fs, C1744fs, C1785fs, C680fs, V1697fs, V1721fs, V1722fs, V1738fs.
Identifiers: ClinVar variation 2820227 (VCV002820227.3), dbSNP rs2546663270, ClinGen allele CA2739265613.
Genomic context (GRCh38, chr17:43,047,676, plus strand): 5'-TAGCACAGGTACATGCAGGCACCTTACCATGGAAGCCATTGTCCTCTGTCCAGGCATCTG[GCTGCACA>G]ACCACAATTGGGTGGACACCCTGGATCCCCAGGAAGGAAAGAGCATTCAAAGTGTCAAAG-3'